The following is an entry in ClinVar:

ClinVar aggregate classification (germline): Uncertain significance. Review status: criteria provided, multiple submitters, no conflicts (2 of 4 stars). 2 submissions from 2 submitters: Uncertain significance (2). Last evaluated 2025-08-29.

Conditions:
Dilated cardiomyopathy 1DD (CMD1DD). Identifiers: Orphanet 154, MedGen C2750995, MONDO:0013168, OMIM 613172.
Cardiovascular phenotype. Identifiers: MedGen CN230736.

Submissions (2):

Ambry Genetics
Classification: Uncertain significance for Cardiovascular phenotype. Last evaluated: 2025-08-29. Review status: criteria provided, single submitter. Criteria: Ambry Variant Classification Scheme 2023. Collection method: clinical testing. Allele origin: germline.

Labcorp Genetics (formerly Invitae), Labcorp
Classification: Uncertain significance for Dilated cardiomyopathy 1DD. Last evaluated: 2025-01-06. Review status: criteria provided, single submitter. Criteria: Invitae Variant Classification Sherloc (09022015). Collection method: clinical testing. Allele origin: germline.
Comment: This sequence change replaces alanine, which is neutral and non-polar, with glycine, which is neutral and non-polar, at codon 276 of the RBM20 protein (p.Ala276Gly). This variant is not present in population databases (gnomAD no frequency). This variant has not been reported in the literature in individuals affected with RBM20-related conditions. Invitae Evidence Modeling of protein sequence and biophysical properties (such as structural, functional, and spatial information, amino acid conservation, physicochemical variation, residue mobility, and thermodynamic stability) indicates that this missense variant is not expected to disrupt RBM20 protein function with a negative predictive value of 95%. In summary, the available evidence is currently insufficient to determine the role of this variant in disease. Therefore, it has been classified as a Variant of Uncertain Significance.

NM_001134363.3(RBM20):c.827C>G (p.Ala276Gly)

Gene: RBM20 (RNA binding motif protein 20; plus strand). Cytogenetic location: 10q25.2.
Variant type: single nucleotide variant.
Coding change: c.827C>G on transcript NM_001134363.3 (MANE Select); coding-DNA position 827, C replaced by G.
Protein change: p.Ala276Gly; replaces alanine 276 with glycine.
Molecular consequence: missense variant.
Genome position (GRCh38, 1-based): chr10:110,781,436, C>G. VCF-style: chr10-110781436-C-G. GRCh37 (hg19) VCF-style: chr10-112541194-C-G.
Other names: short protein forms A276G.
Identifiers: ClinVar variation 3618897 (VCV003618897.3).